The following is an entry in ClinVar:

NM_006949.4(STXBP2):c.466C>T (p.Leu156Phe)

Gene: STXBP2 (syntaxin binding protein 2; plus strand). Cytogenetic location: 19p13.2.
Variant type: single nucleotide variant.
Coding change: c.466C>T on transcript NM_006949.4 (MANE Select); coding-DNA position 466, C replaced by T.
Protein change: p.Leu156Phe; replaces leucine 156 with phenylalanine.
Molecular consequence: missense variant. On other transcripts: non-coding transcript variant (1).
Genome position (GRCh38, 1-based): chr19:7,641,741, C>T. VCF-style: chr19-7641741-C-T. GRCh37 (hg19) VCF-style: chr19-7706627-C-T.
Other names: c.457C>T, p.Leu153Phe (NM_001127396.3); c.499C>T, p.Leu167Phe (NM_001272034.2); short protein forms L153F, L156F, L167F.
Identifiers: ClinVar variation 1396643 (VCV001396643.5), dbSNP rs1269776643, ClinGen allele CA403158283.
Genomic context (GRCh38, chr19:7,641,741, plus strand): 5'-TGCTTCTGTCCCCTCCTCGCCCAGGTGTTCTCCCTCGATGCTCCCCACAGCACCTACAAC[C>T]TCTACTGCCCCTTCCGGGCAGAGGAGCGCACGCGGCAGCTCGAGGTGCTGGCCCAGCAGA-3'
Protein context (NP_008880.2, residues 146-166): SLDAPHSTYN[Leu156Phe]YCPFRAEERT

ClinVar aggregate classification (germline): Uncertain significance (1 of 4 stars; one submission).

Conditions:
Familial hemophagocytic lymphohistiocytosis 5. Also called: STXBP2-Related Familial Hemophagocytic Lymphohistiocytosis (STXBP2-fHLH). Identifiers: Orphanet 540, MedGen C2751293, MONDO:0013135, OMIM 613101.

Allele frequency attached by ClinVar (database versions not stated): gnomAD exomes below 0.00001; TOPMed below 0.00001.

Submission:

Labcorp Genetics (formerly Invitae), Labcorp
Classification: Uncertain significance for Familial hemophagocytic lymphohistiocytosis 5. Last evaluated: 2021-12-25. Review status: criteria provided, single submitter. Criteria: Invitae Variant Classification Sherloc (09022015). Collection method: clinical testing. Allele origin: germline.
Comment: This sequence change replaces leucine, which is neutral and non-polar, with phenylalanine, which is neutral and non-polar, at codon 156 of the STXBP2 protein (p.Leu156Phe). This variant is not present in population databases (gnomAD no frequency). This variant has not been reported in the literature in individuals affected with STXBP2-related conditions. Algorithms developed to predict the effect of missense changes on protein structure and function (SIFT, PolyPhen-2, Align-GVGD) all suggest that this variant is likely to be tolerated. In summary, the available evidence is currently insufficient to determine the role of this variant in disease. Therefore, it has been classified as a Variant of Uncertain Significance.